The following is an entry in ClinVar:

NM_000038.6(APC):c.7806del (p.Glu2603fs)

Gene: APC (APC regulator of Wnt signaling pathway; plus strand). Cytogenetic location: 5q22.2.
Variant type: Deletion.
Coding change: c.7806del on transcript NM_000038.6 (MANE Select); coding-DNA position 7806, one base deleted (A; older notation c.7806delA).
Protein change: p.Glu2603fs; shifts the reading frame from glutamic acid 2603.
Molecular consequence: frameshift variant. On other transcripts: non-coding transcript variant (2).
Genome position (GRCh38, 1-based): chr5:112,843,400, A deleted; the last of 3 consecutive A bases (chr5:112,843,398-112,843,400); deleting any one gives the same sequence. VCF-style (leftmost placement, unchanged base first): chr5-112843397-TA-T. GRCh37 (hg19) VCF-style: chr5-112179094-TA-T.
Other names: c.7785del, p.Glu2596fs (NM_001407451.1); c.7776del, p.Glu2593fs (NM_001407452.1); c.7629del, p.Glu2544fs (NM_001407453.1, NM_001354901.2); c.7557del, p.Glu2520fs (NM_001407454.1, NM_001407455.1, NM_001407456.1 and 1 more transcripts); c.7806del, p.Glu2603fs (NM_001127510.3, NM_001354895.2, NM_001407450.1); c.7752del, p.Glu2585fs (NM_001127511.3); c.7860del, p.Glu2621fs (NM_001354896.2, NM_001407447.1, NM_001407448.1 and 1 more transcripts); c.7836del, p.Glu2613fs (NM_001354897.2); and 11 more; short protein forms E2443fs, E2474fs, E2512fs, E2585fs, E2593fs, E2603fs, E2631fs, E2219fs.
Identifiers: ClinVar variation 4121320 (VCV004121320.1).

ClinVar aggregate classification (germline): Likely pathogenic (1 of 4 stars; one submission).

Conditions:
Hereditary cancer-predisposing syndrome. Also called: Hereditary neoplastic syndrome; Neoplastic Syndromes, Hereditary; Tumor predisposition; Hereditary Cancer Syndrome. Identifiers: Orphanet 140162, MedGen C0027672, MeSH D009386, MONDO:0015356.

Submission:

Ambry Genetics
Classification: Likely pathogenic for Hereditary cancer-predisposing syndrome. Last evaluated: 2025-08-08. Review status: criteria provided, single submitter. Criteria: Ambry Variant Classification Scheme 2023. Collection method: clinical testing. Allele origin: germline.
Comment: The c.7806delA variant, located in coding exon 15 of the APC gene, results from a deletion of one nucleotide at nucleotide position 7806, causing a translational frameshift with a predicted alternate stop codon (p.E2603Kfs*13). This alteration occurs at the 3' terminus of theAPC gene, is not expected to trigger nonsense-mediated mRNA decay, and impacts the last 8% of the protein. However, premature stop codons are typically deleterious in nature and a significant portion of the protein is affected (Ambry internal data). This variant is considered to be rare based on population cohorts in the Genome Aggregation Database (gnomAD). This alteration is expected to result in loss of function by premature protein truncation or nonsense-mediated mRNA decay. As such, this alteration is interpreted as a disease-causing mutation.